The following is an entry in ClinVar:

NM_152564.5(VPS13B):c.8362-4G>T

Gene: VPS13B (vacuolar protein sorting 13 homolog B; plus strand). Cytogenetic location: 8q22.2.
Variant type: single nucleotide variant.
Coding change: c.8362-4G>T on transcript NM_152564.5 (MANE Select); 4 bases into the intron before coding-DNA position 8362, G replaced by T.
Molecular consequence: intron variant.
Genome position (GRCh38, 1-based): chr8:99,818,447, G>T. VCF-style: chr8-99818447-G-T. GRCh37 (hg19) VCF-style: chr8-100830675-G-T.
Other names: c.8437-4G>T (NM_017890.5).
Identifiers: ClinVar variation 3350146 (VCV003350146.1).
Genomic context (GRCh38, chr8:99,818,447, plus strand): 5'-CTTATTTTGATTAATTAGTAAACTGCTTAGTATTCAATAGGACCCTTTGCTATTTCATGT[G>T]CAGGTGCCATCTTCAAACAGTTCCATTATTTATGTCTGGTGCACAGTTTTGACTTTAGAA-3'

ClinVar aggregate classification (germline): Likely benign (0 of 4 stars; one submission).

Conditions:
VPS13B-related disorder. Also called: VPS13B-related condition.

gnomAD v4.1: 8 of 1,613,766 alleles (0.0005%); highest among the groups gnomAD compares: Non-Finnish European, 0.00068%; no homozygotes.

Submission:

PreventionGenetics, part of Exact Sciences
Classification: Likely benign for VPS13B-related condition. Last evaluated: 2023-08-17. Review status: no assertion criteria provided. Collection method: clinical testing. Allele origin: germline.
Comment: This variant is classified as likely benign based on ACMG/AMP sequence variant interpretation guidelines (Richards et al. 2015 PMID: 25741868, with internal and published modifications).